The following is an entry in ClinVar:

ClinVar aggregate classification (germline): Likely benign (0 of 4 stars; one submission).

Conditions:
BMP2-related disorder. Also called: BMP2-related condition.

Allele frequency attached by ClinVar (database versions not stated): TOPMed 0.00002.
gnomAD v4.1: 12 of 1,588,040 alleles (0.00076%); highest among the groups gnomAD compares: East Asian, 0.0023%; no homozygotes.

Submission:

PreventionGenetics, part of Exact Sciences
Classification: Likely benign for BMP2-related condition. Last evaluated: 2019-03-27. Review status: no assertion criteria provided. Collection method: clinical testing. Allele origin: germline.
Comment: This variant is classified as likely benign based on ACMG/AMP sequence variant interpretation guidelines (Richards et al. 2015 PMID: 25741868, with internal and published modifications).

NM_001200.4(BMP2):c.72C>T (p.Leu24=)

Gene: BMP2 (bone morphogenetic protein 2; plus strand). Cytogenetic location: 20p12.3.
Variant type: single nucleotide variant.
Coding change: c.72C>T on transcript NM_001200.4 (MANE Select); coding-DNA position 72, C replaced by T.
Protein change: p.Leu24=; no amino-acid change (leucine 24 retained).
Molecular consequence: synonymous variant.
Genome position (GRCh38, 1-based): chr20:6,770,198, C>T. VCF-style: chr20-6770198-C-T. GRCh37 (hg19) VCF-style: chr20-6750845-C-T.
Identifiers: ClinVar variation 3047413 (VCV003047413.2), dbSNP rs1351092872, ClinGen allele CA509688037.